The following is an entry in ClinVar:

ClinVar aggregate classification (germline): Uncertain significance (1 of 4 stars; one submission).

Conditions:
Ehlers-Danlos syndrome, kyphoscoliotic type 1 (EDSKSCL1). Also called: EHLERS-DANLOS SYNDROME, OCULAR-SCOLIOTIC TYPE; Ehlers-Danlos syndrome, hydroxylysine-deficient; EHLERS-DANLOS SYNDROME, TYPE VIA; PLOD1-Related Kyphoscoliotic Ehlers-Danlos Syndrome. Identifiers: Orphanet 1900, MedGen C0268342, MONDO:0016002, OMIM 225400. Disease mechanism: loss of function.

Submission:

Labcorp Genetics (formerly Invitae), Labcorp
Classification: Uncertain significance for Ehlers-Danlos syndrome, kyphoscoliotic type 1. Last evaluated: 2021-06-16. Review status: criteria provided, single submitter. Criteria: Invitae Variant Classification Sherloc (09022015). Collection method: clinical testing. Allele origin: germline.
Comment: In summary, the available evidence is currently insufficient to determine the role of this variant in disease. Therefore, it has been classified as a Variant of Uncertain Significance. Nucleotide substitutions within the consensus splice site are a relatively common cause of aberrant splicing (PMID: 17576681, 9536098). Algorithms developed to predict the effect of sequence changes on RNA splicing suggest that this variant may disrupt the consensus splice site, but this prediction has not been confirmed by published transcriptional studies. This variant has not been reported in the literature in individuals with PLOD1-related conditions. This variant is not present in population databases (ExAC no frequency). This sequence change falls in intron 8 of the PLOD1 gene. It does not directly change the encoded amino acid sequence of the PLOD1 protein. It affects a nucleotide within the consensus splice site of the intron.

Literature cited by the submitters: PubMed 17576681; PubMed 9536098.

NM_000302.4(PLOD1):c.844-3C>G

Gene: PLOD1 (procollagen-lysine,2-oxoglutarate 5-dioxygenase 1; plus strand). Cytogenetic location: 1p36.22.
Variant type: single nucleotide variant.
Coding change: c.844-3C>G on transcript NM_000302.4 (MANE Select); 3 bases into the intron before coding-DNA position 844, C replaced by G.
Molecular consequence: intron variant.
Genome position (GRCh38, 1-based): chr1:11,958,513, C>G. VCF-style: chr1-11958513-C-G. GRCh37 (hg19) VCF-style: chr1-12018570-C-G.
Other names: c.985-3C>G (NM_001316320.2).
Identifiers: ClinVar variation 1392031 (VCV001392031.6), dbSNP rs2100752095, ClinGen allele CA2573130738.